The following is an entry in ClinVar:

NM_000551.4(VHL):c.495T>A (p.Val165=)

Genes: VHL (von Hippel-Lindau tumor suppressor; plus strand), LOC107303340 (3p25 von Hippel-Lindau tumor suppressor, E3 ubiquitin protein ligase Alu-mediated recombination region; plus strand). Cytogenetic location: 3p25.3.
Variant type: single nucleotide variant.
Coding change: c.495T>A on transcript NM_000551.4 (MANE Select); coding-DNA position 495, T replaced by A.
Protein change: p.Val165=; no amino-acid change (valine 165 retained).
Molecular consequence: synonymous variant. On other transcripts: 3 prime UTR variant (1), non-coding transcript variant (1).
Genome position (GRCh38, 1-based): chr3:10,149,818, T>A. VCF-style: chr3-10149818-T-A. GRCh37 (hg19) VCF-style: chr3-10191502-T-A.
Other names: c.*49T>A (NM_001354723.2); c.372T>A, p.Val124= (NM_198156.3).
Identifiers: ClinVar variation 2953491 (VCV002953491.4), dbSNP rs2125130522, ClinGen allele CA432423244.

ClinVar aggregate classification (germline): Likely benign. Review status: criteria provided, multiple submitters, no conflicts (2 of 4 stars). 2 submissions from 2 submitters: Likely benign (2). Last evaluated 2024-02-05.

Conditions:
Von Hippel-Lindau syndrome (VHLS). Also called: VHL syndrome; Von Hippel-Lindau; von Hippel–Lindau syndrome. Identifiers: Orphanet 892, MedGen C0019562, MONDO:0008667, OMIM 193300. Disease mechanism: loss of function.
Chuvash polycythemia. Also called: POLYCYTHEMIA, VHL-DEPENDENT. Identifiers: Orphanet 238557, MedGen C1837915, MONDO:0009892, OMIM 263400.

Submissions (2):

All of Us Research Program, National Institutes of Health
Classification: Likely benign for Von Hippel-Lindau syndrome. Last evaluated: 2024-02-05. Review status: criteria provided, single submitter. Criteria: ACMG Guidelines, 2015. Collection method: clinical testing. Allele origin: germline. Inheritance: Autosomal dominant inheritance. Observed: 1 variant allele, 1 heterozygote.
Comment: This study involves interpretation of variants in research participants for the purpose of population health screening. Participant phenotype was not available at the time of variant classification. Additional details can be found in publication PMID: 35346344, PMCID: PMC8962531

Labcorp Genetics (formerly Invitae), Labcorp
Classification: Likely benign for Von Hippel-Lindau syndrome; Chuvash polycythemia. Last evaluated: 2023-11-02. Review status: criteria provided, single submitter. Criteria: Invitae Variant Classification Sherloc (09022015). Collection method: clinical testing. Allele origin: germline.